The following is an entry in ClinVar:

NM_001609.4(ACADSB):c.960A>T (p.Ile320=)

Gene: ACADSB (acyl-CoA dehydrogenase short/branched chain; plus strand). Cytogenetic location: 10q26.13.
Variant type: single nucleotide variant.
Coding change: c.960A>T on transcript NM_001609.4 (MANE Select); coding-DNA position 960, A replaced by T.
Protein change: p.Ile320=; no amino-acid change (isoleucine 320 retained).
Molecular consequence: synonymous variant.
Genome position (GRCh38, 1-based): chr10:123,047,268, A>T. VCF-style: chr10-123047268-A-T. GRCh37 (hg19) VCF-style: chr10-124806784-A-T.
Other names: c.654A>T, p.Ile218= (NM_001330174.3).
Identifiers: ClinVar variation 713364 (VCV000713364.16), dbSNP rs147531541, ClinGen allele CA5730864.

ClinVar aggregate classification (germline): Conflicting classifications of pathogenicity. Review status: criteria provided, conflicting classifications (1 of 4 stars). 3 submissions from 3 submitters: Uncertain significance (1); Likely benign (1). 1 of the submissions does not count toward it. Last evaluated 2025-12-30.

Conditions:
ACADSB-related disorder. Also called: ACADSB-related condition.
Deficiency of 2-methylbutyryl-CoA dehydrogenase (ACADSB). Also called: 2-methylbutyryl-CoA dehydrogenase deficiency; SBCAD deficiency; 2-methylbutyric aciduria; Short branched-chain acyl-CoA dehydrogenase deficiency; 2-methylbutyrylglycinuria. Identifiers: Orphanet 79157, MedGen C1864912, MONDO:0012392, OMIM 610006, HP:0020147.

Allele frequency attached by ClinVar (database versions not stated): gnomAD 0.00011 and 0.00013; TOPMed 0.00011; gnomAD exomes 0.00013 and 0.00020; ExAC 0.00016; ESP Exome Variant Server 0.00023.
gnomAD v4.1: 309 of 1,606,544 alleles (0.019%); highest among the groups gnomAD compares: Non-Finnish European, 0.025%; no homozygotes.

Submissions (3):

Labcorp Genetics (formerly Invitae), Labcorp
Classification: Likely benign for Deficiency of 2-methylbutyryl-CoA dehydrogenase. Last evaluated: 2025-12-30. Review status: criteria provided, single submitter. Criteria: Invitae Variant Classification Sherloc (09022015). Collection method: clinical testing. Allele origin: germline.

Illumina Laboratory Services, Illumina
Classification: Uncertain significance for Deficiency of 2-methylbutyryl-CoA dehydrogenase. Last evaluated: 2018-01-13. Review status: criteria provided, single submitter. Criteria: ICSL Variant Classification Criteria 13 December 2019. Collection method: clinical testing. Allele origin: germline.

PreventionGenetics, part of Exact Sciences
Classification: Likely benign for ACADSB-related condition. Last evaluated: 2019-10-28. Review status: no assertion criteria provided. Collection method: clinical testing. Allele origin: germline. Not counted in ClinVar's aggregate classification.
Comment: This variant is classified as likely benign based on ACMG/AMP sequence variant interpretation guidelines (Richards et al. 2015 PMID: 25741868, with internal and published modifications).